The following is an entry in ClinVar:

NM_152383.5(DIS3L2):c.1835C>T (p.Pro612Leu)

Gene: DIS3L2 (DIS3 like 3'-5' exoribonuclease 2; plus strand). Cytogenetic location: 2q37.1.
Variant type: single nucleotide variant.
Coding change: c.1835C>T on transcript NM_152383.5 (MANE Select); coding-DNA position 1835, C replaced by T.
Protein change: p.Pro612Leu; replaces proline 612 with leucine.
Molecular consequence: missense variant. On other transcripts: non-coding transcript variant (2), intron variant (1).
Genome position (GRCh38, 1-based): chr2:232,329,908, C>T. VCF-style: chr2-232329908-C-T. GRCh37 (hg19) VCF-style: chr2-233194618-C-T.
Other names: c.1582-13437C>T (NM_001257281.2); short protein forms P612L.
Identifiers: ClinVar variation 663543 (VCV000663543.10), dbSNP rs771703300, ClinGen allele CA2164282.

ClinVar aggregate classification (germline): Uncertain significance. Review status: criteria provided, multiple submitters, no conflicts (2 of 4 stars). 2 submissions from 2 submitters: Uncertain significance (2). Last evaluated 2025-11-18.

Conditions:
Perlman syndrome (PRLMNS). Identifiers: Orphanet 2849, MedGen C0796113, MONDO:0009965, OMIM 267000.

Allele frequency attached by ClinVar (database versions not stated): ExAC 0.00002; gnomAD exomes 0.00004 and 0.00002; TOPMed 0.00002; gnomAD 0.00001.
gnomAD v4.1: 59 of 1,612,824 alleles (0.0037%); highest among the groups gnomAD compares: Middle Eastern, 0.016%; no homozygotes.

Submissions (2):

Dasa
Classification: Uncertain significance. Last evaluated: 2025-11-18. Review status: criteria provided, single submitter. Criteria: DASA Assertion Criteria. Collection method: clinical testing. Allele origin: germline.
Comment: NM_152383.5(DIS3L2):c.1835C>T (p.Pro612Leu) is a missense variant that results in the substitution of proline with leucine. This variant is rare in population databases. Computational prediction algorithms are consistent with a benign effect. The currently available literature and clinical evidence are not sufficient to establish a definitive association between this variant and the reported condition. Therefore, this variant is classified as a variant of uncertain significance.

Labcorp Genetics (formerly Invitae), Labcorp
Classification: Uncertain significance for Perlman syndrome. Last evaluated: 2025-07-23. Review status: criteria provided, single submitter. Criteria: Invitae Variant Classification Sherloc (09022015). Collection method: clinical testing. Allele origin: germline.
Comment: This sequence change replaces proline, which is neutral and non-polar, with leucine, which is neutral and non-polar, at codon 612 of the DIS3L2 protein (p.Pro612Leu). This variant is present in population databases (rs771703300, gnomAD 0.007%). This variant has not been reported in the literature in individuals affected with DIS3L2-related conditions. ClinVar contains an entry for this variant (Variation ID: 663543). Invitae Evidence Modeling of protein sequence and biophysical properties (such as structural, functional, and spatial information, amino acid conservation, physicochemical variation, residue mobility, and thermodynamic stability) indicates that this missense variant is not expected to disrupt DIS3L2 protein function with a negative predictive value of 80%. In summary, the available evidence is currently insufficient to determine the role of this variant in disease. Therefore, it has been classified as a Variant of Uncertain Significance.